The following is an entry in ClinVar:

ClinVar aggregate classification (germline): Uncertain significance. Review status: criteria provided, multiple submitters, no conflicts (2 of 4 stars). 5 submissions from 5 submitters: Uncertain significance (5). Last evaluated 2023-05-31.

Conditions:
Hyperinsulinemic hypoglycemia, familial, 1 (HHF1). Also called: Persistent hyperinsulinemic hypoglycemia of infancy; Persistent Hyperinsulinemia Hypoglycemia of Infancy; HYPERINSULINISM, FAMILIAL, WITH PANCREATIC NESIDIOBLASTOSIS; HYPOGLYCEMIA, HYPERINSULINEMIC, OF INFANCY; NESIDIOBLASTOSIS OF PANCREAS. Identifiers: Orphanet 276575, Orphanet 276598, MedGen C2931832, MONDO:0009734, OMIM 256450.
Leucine-induced hypoglycemia (LIH). Also called: LEUCINE-SENSITIVE HYPOGLYCEMIA OF INFANCY. Identifiers: MedGen C0271714, MONDO:0009415, OMIM 240800.
Type 2 diabetes mellitus. Also called: Type II diabetes mellitus. Identifiers: MedGen C0011860, MeSH D003924, MONDO:0005148, OMIM 125853, HP:0005978.
Diabetes mellitus, transient neonatal, 2 (TNDM2). Identifiers: Orphanet 99886, MedGen C1835887, MONDO:0012480, OMIM 610374. Disease mechanism: loss of function.
Diabetes mellitus, permanent neonatal 3. Also called: ABCC8-Related Permanent Neonatal Diabetes Mellitus. Identifiers: MedGen C5394303, MONDO:0030088, OMIM 618857.

Allele frequency attached by ClinVar (database versions not stated): gnomAD exomes 0.00001; ExAC 0.00002.
gnomAD v4.1: 21 of 1,614,030 alleles (0.0013%); highest among the groups gnomAD compares: African/African-American, 0.021%; no homozygotes.

Submissions (5):

GeneDx
Classification: Uncertain significance. Last evaluated: 2023-05-31. Review status: criteria provided, single submitter. Criteria: GeneDx Variant Classification Process June 2021. Collection method: clinical testing. Allele origin: germline. Affected: yes.
Comment: Observed in an individual with early-onset diabetes in published literature (de Santana et al., 2019); In silico analysis supports that this missense variant does not alter protein structure/function; This variant is associated with the following publications: (PMID: 34014594, 31595705)

Labcorp Genetics (formerly Invitae), Labcorp
Classification: Uncertain significance. Last evaluated: 2022-10-26. Review status: criteria provided, single submitter. Criteria: Invitae Variant Classification Sherloc (09022015). Collection method: clinical testing. Allele origin: germline.
Comment: This sequence change replaces glycine, which is neutral and non-polar, with valine, which is neutral and non-polar, at codon 658 of the ABCC8 protein (p.Gly658Val). This variant is present in population databases (rs149400972, gnomAD 0.02%). This missense change has been observed in individual(s) with ABCC8-related conditions (PMID: 31595705). ClinVar contains an entry for this variant (Variation ID: 1337205). Advanced modeling of protein sequence and biophysical properties (such as structural, functional, and spatial information, amino acid conservation, physicochemical variation, residue mobility, and thermodynamic stability) has been performed at Invitae for this missense variant, however the output from this modeling did not meet the statistical confidence thresholds required to predict the impact of this variant on ABCC8 protein function. In summary, the available evidence is currently insufficient to determine the role of this variant in disease. Therefore, it has been classified as a Variant of Uncertain Significance.

Fulgent Genetics
Classification: Uncertain significance for Type 2 diabetes mellitus; Leucine-induced hypoglycemia; Hyperinsulinemic hypoglycemia, familial, 1; Diabetes mellitus, transient neonatal, 2; Diabetes mellitus, permanent neonatal 3. Last evaluated: 2021-10-29. Review status: criteria provided, single submitter. Criteria: ACMG Guidelines, 2015. Collection method: clinical testing. Allele origin: unknown.

Athena Diagnostics
Classification: Uncertain significance. Last evaluated: 2021-03-10. Review status: criteria provided, single submitter. Criteria: Athena Diagnostics Criteria. Collection method: clinical testing. Allele origin: unknown.
Comment: This observation is not an independent occurrence and has been identified in the same individual by RCIGM, the other laboratory participating in the GEMINI study.

Genetic Services Laboratory, University of Chicago
Classification: Uncertain significance. Last evaluated: 2019-06-25. Review status: criteria provided, single submitter. Criteria: ACMG Guidelines, 2015. Collection method: clinical testing. Allele origin: germline. Affected: no.

Literature cited by the submitters: PubMed 31595705 (cited by Labcorp Genetics (formerly Invitae), Labcorp).

NM_000352.6(ABCC8):c.1973G>T (p.Gly658Val)

Gene: ABCC8 (ATP binding cassette subfamily C member 8; minus strand). Cytogenetic location: 11p15.1.
Variant type: single nucleotide variant.
Coding change: c.1973G>T on transcript NM_000352.6 (MANE Select); coding-DNA position 1973, G replaced by T.
Protein change: p.Gly658Val; replaces glycine 658 with valine.
Molecular consequence: missense variant. On other transcripts: non-coding transcript variant (1).
Genome position (GRCh38, 1-based): chr11:17,428,356, C>A on the plus strand (G>T on the coding strand, the complement: ABCC8 is on the minus strand). VCF-style: chr11-17428356-C-A. GRCh37 (hg19) VCF-style: chr11-17449903-C-A.
Other names: c.1973G>T, p.Gly658Val (NM_001287174.3); c.2039G>T, p.Gly680Val (NM_001351295.2); c.1970G>T, p.Gly657Val (NM_001351296.2, NM_001351297.2); c.1973G>T (NM_000352.3); short protein forms G657V, G658V, G680V.
Identifiers: ClinVar variation 1337205 (VCV001337205.8), dbSNP rs149400972, ClinGen allele CA5903360.